The following is an entry in ClinVar:

ClinVar aggregate classification (germline): Pathogenic. Review status: reviewed by expert panel (3 of 4 stars). 2 submissions from 2 submitters: Pathogenic (1). 1 of the submissions does not count toward it. Last evaluated 2013-09-05.

Conditions:
Lynch syndrome. Identifiers: Orphanet 144, MedGen C4552100, MONDO:0005835. Disease mechanism: loss of function.
Hereditary nonpolyposis colorectal neoplasms. Identifiers: MedGen C0009405, MeSH D003123.

Submissions (2):

International Society for Gastrointestinal Hereditary Tumours (InSiGHT)
Classification: Pathogenic for Lynch Syndrome. Last evaluated: 2013-09-05. Review status: reviewed by expert panel. Criteria: Guidelines v1.9. Collection method: research. Allele origin: germline.
Comment: Coding sequence variation resulting in a stop codon

Classified with v1.9 guidelines

Labcorp Genetics (formerly Invitae), Labcorp
Classification: Pathogenic for Hereditary nonpolyposis colorectal neoplasms. Last evaluated: 2022-06-13. Review status: criteria provided, single submitter. Criteria: Invitae Variant Classification Sherloc (09022015). Collection method: clinical testing. Allele origin: germline. Not counted in ClinVar's aggregate classification.
Comment: For these reasons, this variant has been classified as Pathogenic. ClinVar contains an entry for this variant (Variation ID: 91314). This premature translational stop signal has been observed in individual(s) with constitutional mismatch repair deficiency syndrome (PMID: 17851451). This variant is not present in population databases (gnomAD no frequency). This sequence change creates a premature translational stop signal (p.Ile590Phefs*5) in the PMS2 gene. It is expected to result in an absent or disrupted protein product. Loss-of-function variants in PMS2 are known to be pathogenic (PMID: 21376568, 24362816).

Literature cited by the submitters: PubMed 17851451 (cited by Labcorp Genetics (formerly Invitae), Labcorp); PubMed 21376568 (cited by Labcorp Genetics (formerly Invitae), Labcorp); PubMed 24362816 (cited by Labcorp Genetics (formerly Invitae), Labcorp).

NM_000535.7(PMS2):c.1768del (p.Ile590fs)

Gene: PMS2 (PMS1 homolog 2, mismatch repair system component; minus strand). Cytogenetic location: 7p22.1.
Variant type: Deletion.
Coding change: c.1768del on transcript NM_000535.7 (MANE Select); coding-DNA position 1768, one base deleted (A; older notation c.1768delA).
Protein change: p.Ile590fs; shifts the reading frame from isoleucine 590.
Molecular consequence: frameshift variant. On other transcripts: non-coding transcript variant (1).
Genome position (GRCh38, 1-based): chr7:5,986,997, T deleted on the plus strand (A on the coding strand, the reverse complement: PMS2 is on the minus strand). VCF-style (leftmost placement, unchanged base first): chr7-5986996-AT-A. GRCh37 (hg19) VCF-style: chr7-6026627-AT-A.
Other names: c.1363del, p.Ile455fs (NM_001322003.2, NM_001322004.2, NM_001322005.2 and 1 more transcripts); c.1612del, p.Ile538fs (NM_001322006.2); c.1450del, p.Ile484fs (NM_001322007.2, NM_001322008.2); c.1207del, p.Ile403fs (NM_001322010.2); c.835del, p.Ile279fs (NM_001322011.2, NM_001322012.2); c.1195del, p.Ile399fs (NM_001322013.2); c.1768del, p.Ile590fs (NM_001322014.2); c.1459del, p.Ile487fs (NM_001322015.2); short protein forms I403fs, I487fs, I279fs, I484fs, I399fs, I538fs, I455fs, I590fs.
Identifiers: ClinVar variation 91314 (VCV000091314.6), dbSNP rs63750477, ClinGen allele CA010226.